The following is an entry in ClinVar:

ClinVar aggregate classification (germline): Uncertain significance (1 of 4 stars; one submission).

Conditions:
Brown-Vialetto-van Laere syndrome 2. Also called: SPINOCEREBELLAR ATAXIA WITH BLINDNESS AND DEAFNESS 2; Riboflavin transporter deficiency type 2. Identifiers: Orphanet 572543, Orphanet 97229, MedGen C3553538, MONDO:0013867, OMIM 614707.

Submission:

Labcorp Genetics (formerly Invitae), Labcorp
Classification: Uncertain significance for Brown-Vialetto-van Laere syndrome 2. Last evaluated: 2022-07-21. Review status: criteria provided, single submitter. Criteria: Invitae Variant Classification Sherloc (09022015). Collection method: clinical testing. Allele origin: germline.
Comment: In summary, the available evidence is currently insufficient to determine the role of this variant in disease. Therefore, it has been classified as a Variant of Uncertain Significance. Experimental studies and prediction algorithms are not available or were not evaluated, and the functional significance of this variant is currently unknown. This variant has not been reported in the literature in individuals affected with SLC52A2-related conditions. This variant results in a copy number gain of the genomic region encompassing exon(s) 4-5 of the SLC52A2 gene. This region includes the termination codon of the gene. This copy number gain extends beyond the assayed region for this gene and therefore may encompass additional genes. This gain is likely not tandem and is located elsewhere in the genome.

NC_000008.10:g.(?_145584230)_(145584675_?)dup

Gene: SLC52A2 (solute carrier family 52 member 2; plus strand). Cytogenetic location: 8q24.3.
Variant type: Duplication.
Identifiers: ClinVar variation 2426827 (VCV002426827.6).